The following is an entry in ClinVar:

NM_020436.5(SALL4):c.2114C>T (p.Ser705Phe)

Gene: SALL4 (spalt like transcription factor 4; minus strand). Cytogenetic location: 20q13.2.
Variant type: single nucleotide variant.
Coding change: c.2114C>T on transcript NM_020436.5 (MANE Select); coding-DNA position 2114, C replaced by T.
Protein change: p.Ser705Phe; replaces serine 705 with phenylalanine.
Molecular consequence: missense variant. On other transcripts: intron variant (1).
Genome position (GRCh38, 1-based): chr20:51,790,369, G>A on the plus strand (C>T on the coding strand, the complement: SALL4 is on the minus strand). VCF-style: chr20-51790369-G-A. GRCh37 (hg19) VCF-style: chr20-50406908-G-A.
Other names: c.1150+964C>T (NM_001318031.2); short protein forms S705F.
Identifiers: ClinVar variation 3587343 (VCV003587343.3).

ClinVar aggregate classification (germline): Conflicting classifications of pathogenicity. Review status: criteria provided, conflicting classifications (1 of 4 stars). 3 submissions from 3 submitters: Uncertain significance (2); Likely benign (1). Last evaluated 2026-04-21.

Conditions:
Duane-radial ray syndrome (DRRS). Also called: Duane-Radial Ray Syndrome/Okihiro Syndrome; Duane-Radial Ray Syndrome (DRRS) / Okihiro Syndrome; ACRORENOOCULAR SYNDROME; DR SYNDROME; DUANE ANOMALY WITH RADIAL RAY ABNORMALITIES AND DEAFNESS; Okihiro Syndrome. Identifiers: Orphanet 93293, Orphanet 959, MedGen C1623209, MONDO:0011812, OMIM 607323. Disease mechanism: gain of function.
Oculootoradial syndrome (IVIC). Also called: RADIAL RAY DEFECTS, HEARING IMPAIRMENT, EXTERNAL OPHTHALMOPLEGIA, AND THROMBOCYTOPENIA; IVIC syndrome. Identifiers: Orphanet 2307, MedGen C1327918, MONDO:0007836, OMIM 147750.

gnomAD v4.1: 44 of 1,614,016 alleles (0.0027%); highest among the groups gnomAD compares: Non-Finnish European, 0.0037%; no homozygotes.

Submissions (3):

GeneDx
Classification: Uncertain significance. Last evaluated: 2026-04-21. Review status: criteria provided, single submitter. Criteria: GeneDx Variant Classification Process June 2021. Collection method: clinical testing. Allele origin: germline.
Comment: Not observed at significant frequency in large population cohorts (gnomAD); In silico analysis supports that this missense variant has a deleterious effect on protein structure/function; Has not been previously published as pathogenic or benign to our knowledge

Labcorp Genetics (formerly Invitae), Labcorp
Classification: Uncertain significance for Duane-radial ray syndrome. Last evaluated: 2025-02-06. Review status: criteria provided, single submitter. Criteria: Invitae Variant Classification Sherloc (09022015). Collection method: clinical testing. Allele origin: germline.
Comment: This sequence change replaces serine, which is neutral and polar, with phenylalanine, which is neutral and non-polar, at codon 705 of the SALL4 protein (p.Ser705Phe). This variant is present in population databases (no rsID available, gnomAD 0.002%). This variant has not been reported in the literature in individuals affected with SALL4-related conditions. An algorithm developed to predict the effect of missense changes on protein structure and function (PolyPhen-2) suggests that this variant is likely to be disruptive. In summary, the available evidence is currently insufficient to determine the role of this variant in disease. Therefore, it has been classified as a Variant of Uncertain Significance.

Fulgent Genetics
Classification: Likely benign for Oculootoradial syndrome; Duane-radial ray syndrome. Last evaluated: 2024-03-07. Review status: criteria provided, single submitter. Criteria: ACMG Guidelines, 2015. Collection method: clinical testing. Allele origin: germline.